The following is an entry in ClinVar:

NM_001164508.2(NEB):c.946T>C (p.Phe316Leu)

Gene: NEB (nebulin; minus strand). Cytogenetic location: 2q23.3.
Variant type: single nucleotide variant.
Coding change: c.946T>C on transcript NM_001164508.2 (MANE Select); coding-DNA position 946, T replaced by C.
Protein change: p.Phe316Leu; replaces phenylalanine 316 with leucine.
Molecular consequence: missense variant.
Genome position (GRCh38, 1-based): chr2:151,709,745, A>G on the plus strand (T>C on the coding strand, the complement: NEB is on the minus strand). VCF-style: chr2-151709745-A-G. GRCh37 (hg19) VCF-style: chr2-152566259-A-G.
Other names: c.946T>C, p.Phe316Leu (NM_001164507.2, NM_001271208.2, NM_004543.5); short protein forms F316L.
Identifiers: ClinVar variation 1062116 (VCV001062116.9), dbSNP rs2150019628, ClinGen allele CA348786299.

ClinVar aggregate classification (germline): Uncertain significance (1 of 4 stars; one submission).

Conditions:
Nemaline myopathy 2 (NEM2). Also called: Nemaline myopathy 2, autosomal recessive. Identifiers: MedGen C1850569, MONDO:0009725, OMIM 256030.

Submission:

Labcorp Genetics (formerly Invitae), Labcorp
Classification: Uncertain significance for Nemaline myopathy 2. Last evaluated: 2022-07-19. Review status: criteria provided, single submitter. Criteria: Invitae Variant Classification Sherloc (09022015). Collection method: clinical testing. Allele origin: germline.
Comment: In summary, the available evidence is currently insufficient to determine the role of this variant in disease. Therefore, it has been classified as a Variant of Uncertain Significance. Algorithms developed to predict the effect of missense changes on protein structure and function are either unavailable or do not agree on the potential impact of this missense change (SIFT: "Deleterious"; PolyPhen-2: "Not Available"; Align-GVGD: "Class C0"). ClinVar contains an entry for this variant (Variation ID: 1062116). This variant has not been reported in the literature in individuals affected with NEB-related conditions. This variant is not present in population databases (gnomAD no frequency). This sequence change replaces phenylalanine, which is neutral and non-polar, with leucine, which is neutral and non-polar, at codon 316 of the NEB protein (p.Phe316Leu).